The following is an entry in ClinVar:

NM_005431.2(XRCC2):c.272G>T (p.Arg91Leu)

Gene: XRCC2 (X-ray repair cross complementing 2; minus strand). Cytogenetic location: 7q36.1.
Variant type: single nucleotide variant.
Coding change: c.272G>T on transcript NM_005431.2 (MANE Select); coding-DNA position 272, G replaced by T.
Protein change: p.Arg91Leu; replaces arginine 91 with leucine.
Molecular consequence: missense variant.
Genome position (GRCh38, 1-based): chr7:152,649,213, C>A on the plus strand (G>T on the coding strand, the complement: XRCC2 is on the minus strand). VCF-style: chr7-152649213-C-A. GRCh37 (hg19) VCF-style: chr7-152346298-C-A.
Other names: short protein forms R91L.
Identifiers: ClinVar variation 821725 (VCV000821725.4), dbSNP rs776959023, ClinGen allele CA370199059.

ClinVar aggregate classification (germline): Uncertain significance (1 of 4 stars; one submission).

Conditions:
Hereditary cancer-predisposing syndrome. Also called: Tumor predisposition; Hereditary Cancer Syndrome; Neoplastic Syndromes, Hereditary; Hereditary neoplastic syndrome. Identifiers: Orphanet 140162, MedGen C0027672, MeSH D009386, MONDO:0015356.

Submission:

Ambry Genetics
Classification: Uncertain significance for Hereditary cancer-predisposing syndrome. Last evaluated: 2019-05-09. Review status: criteria provided, single submitter. Criteria: Ambry Variant Classification Scheme 2023. Collection method: clinical testing. Allele origin: germline.
Comment: The p.R91L variant (also known as c.272G>T), located in coding exon 3 of the XRCC2 gene, results from a G to T substitution at nucleotide position 272. The arginine at codon 91 is replaced by leucine, an amino acid with dissimilar properties. This amino acid position is highly conserved in available vertebrate species. In addition, this alteration is predicted to be deleterious by in silico analysis. Since supporting evidence is limited at this time, the clinical significance of this alteration remains unclear.